The following is an entry in ClinVar:

NM_000051.4(ATM):c.6158C>G (p.Thr2053Arg)

Genes: ATM (ATM serine/threonine kinase; plus strand), C11orf65 (chromosome 11 open reading frame 65; minus strand). Cytogenetic location: 11q22.3.
Variant type: single nucleotide variant.
Coding change: c.6158C>G on transcript NM_000051.4 (MANE Select); coding-DNA position 6158, C replaced by G.
Protein change: p.Thr2053Arg; replaces threonine 2053 with arginine.
Molecular consequence: missense variant. On other transcripts: intron variant (2).
Genome position (GRCh38, 1-based): chr11:108,316,073, C>G. VCF-style: chr11-108316073-C-G. GRCh37 (hg19) VCF-style: chr11-108186800-C-G.
Other names: c.6158C>G, p.Thr2053Arg (NM_001351834.2); c.641-7002G>C (NM_001330368.2); c.*39-7002G>C (NM_001351110.2); short protein forms T2053R.
Identifiers: ClinVar variation 1500436 (VCV001500436.6), dbSNP rs2136130260, ClinGen allele CA382550624.

ClinVar aggregate classification (germline): Uncertain significance. Review status: criteria provided, multiple submitters, no conflicts (2 of 4 stars). 2 submissions from 2 submitters: Uncertain significance (2). Last evaluated 2021-11-29.

Conditions:
Hereditary cancer-predisposing syndrome. Also called: Neoplastic Syndromes, Hereditary; Tumor predisposition; Hereditary Cancer Syndrome; Hereditary neoplastic syndrome. Identifiers: Orphanet 140162, MedGen C0027672, MeSH D009386, MONDO:0015356.
Ataxia-telangiectasia syndrome (AT). Also called: LOUIS-BAR SYNDROME; Cerebello-oculocutaneous telangiectasia; Immunodeficiency with ataxia telangiectasia; Ataxia telangiectasia (A-T); Ataxia-telangiectasia, complementation group D; AT, COMPLEMENTATION GROUP C. Identifiers: Orphanet 100, MedGen C0004135, MONDO:0008840, OMIM 208900.

gnomAD v4.1: 13 of 1,614,098 alleles (0.00081%); highest among the groups gnomAD compares: Non-Finnish European, 0.0011%; no homozygotes.

Submissions (2):

Labcorp Genetics (formerly Invitae), Labcorp
Classification: Uncertain significance for Ataxia-telangiectasia syndrome. Last evaluated: 2021-11-29. Review status: criteria provided, single submitter. Criteria: Invitae Variant Classification Sherloc (09022015). Collection method: clinical testing. Allele origin: germline.
Comment: This sequence change replaces threonine, which is neutral and polar, with arginine, which is basic and polar, at codon 2053 of the ATM protein (p.Thr2053Arg). This variant is not present in population databases (gnomAD no frequency). This variant has not been reported in the literature in individuals affected with ATM-related conditions. Advanced modeling of protein sequence and biophysical properties (such as structural, functional, and spatial information, amino acid conservation, physicochemical variation, residue mobility, and thermodynamic stability) performed at Invitae indicates that this missense variant is not expected to disrupt ATM protein function. In summary, the available evidence is currently insufficient to determine the role of this variant in disease. Therefore, it has been classified as a Variant of Uncertain Significance.

Ambry Genetics
Classification: Uncertain significance for Hereditary cancer-predisposing syndrome. Last evaluated: 2020-12-21. Review status: criteria provided, single submitter. Criteria: Ambry Variant Classification Scheme 2023. Collection method: clinical testing. Allele origin: germline.
Comment: The p.T2053R variant (also known as c.6158C>G), located in coding exon 41 of the ATM gene, results from a C to G substitution at nucleotide position 6158. The threonine at codon 2053 is replaced by arginine, an amino acid with similar properties. This amino acid position is well conserved in available vertebrate species. In addition, the in silico prediction for this alteration is inconclusive. Since supporting evidence is limited at this time, the clinical significance of this alteration remains unclear.